The following is an entry in ClinVar:

ClinVar aggregate classification (germline): Uncertain significance (1 of 4 stars; one submission).

Conditions:
Inborn genetic diseases. Identifiers: MedGen C0950123, MeSH D030342.

gnomAD v4.1: 3 of 1,613,670 alleles (0.00019%); highest among the groups gnomAD compares: Non-Finnish European, 0.00017%; no homozygotes.

Submission:

Ambry Genetics
Classification: Uncertain significance for Inborn genetic diseases. Last evaluated: 2025-12-03. Review status: criteria provided, single submitter. Criteria: Ambry Variant Classification Scheme 2023. Collection method: clinical testing. Allele origin: germline.
Comment: The p.R105Q variant (also known as c.314G>A), located in coding exon 3 of the ETV6 gene, results from a G to A substitution at nucleotide position 314. The arginine at codon 105 is replaced by glutamine, an amino acid with highly similar properties. This amino acid position is highly conserved in available vertebrate species. In addition, this alteration is predicted to be deleterious by in silico analysis. Based on the available evidence, the clinical significance of this variant remains unclear.

NM_001987.5(ETV6):c.314G>A (p.Arg105Gln)

Genes: ETV6 (ETS variant transcription factor 6; plus strand), LOC126861451 (BRD4-independent group 4 enhancer GRCh37_chr12:11991350-11992549; plus strand). Cytogenetic location: 12p13.2.
Variant type: single nucleotide variant.
Coding change: c.314G>A on transcript NM_001987.5 (MANE Select); coding-DNA position 314, G replaced by A.
Protein change: p.Arg105Gln; replaces arginine 105 with glutamine.
Molecular consequence: missense variant.
Genome position (GRCh38, 1-based): chr12:11,839,290, G>A. VCF-style: chr12-11839290-G-A. GRCh37 (hg19) VCF-style: chr12-11992224-G-A.
Other names: c.311G>A, p.Arg104Gln (NM_001413913.1); c.287G>A, p.Arg96Gln (NM_001413914.1); c.50G>A, p.Arg17Gln (NM_001413915.1); c.314G>A, p.Arg105Gln (NM_001413916.1, NM_001413917.1, NM_001413918.1); short protein forms R96Q, R17Q, R104Q, R105Q.
Identifiers: ClinVar variation 4618825 (VCV004618825.1).